The following is an entry in ClinVar:

NM_001130823.3(DNMT1):c.1532A>G (p.Tyr511Cys)

Gene: DNMT1 (DNA methyltransferase 1; minus strand). Cytogenetic location: 19p13.2.
Variant type: single nucleotide variant.
Coding change: c.1532A>G on transcript NM_001130823.3 (MANE Select); coding-DNA position 1532, A replaced by G.
Protein change: p.Tyr511Cys; replaces tyrosine 511 with cysteine.
Molecular consequence: missense variant.
Genome position (GRCh38, 1-based): chr19:10,155,017, T>C on the plus strand (A>G on the coding strand, the complement: DNMT1 is on the minus strand). VCF-style: chr19-10155017-T-C. GRCh37 (hg19) VCF-style: chr19-10265693-T-C.
Other names: c.1532A>G, p.Tyr511Cys (LRG_362t1); c.1484A>G, p.Tyr495Cys (NM_001318730.2, NM_001379.4); c.1169A>G, p.Tyr390Cys (NM_001318731.2); short protein forms Y495C, Y511C, Y390C.
Identifiers: ClinVar variation 29682 (VCV000029682.17), dbSNP rs199473690, ClinGen allele CA259618.

ClinVar aggregate classification (germline): Pathogenic/Likely pathogenic. Review status: criteria provided, multiple submitters, no conflicts (2 of 4 stars). 8 submissions from 8 submitters: Pathogenic (4); Likely pathogenic (1). 3 of the submissions do not count toward it. Last evaluated 2024-10-08.

Conditions:
Charcot-Marie-Tooth disease. Also called: Charcot-Marie-Tooth Neuropathy; Charcot-Marie-Tooth Hereditary Neuropathy. Identifiers: Orphanet 166, MedGen C0007959, MONDO:0015626.
Autosomal dominant cerebellar ataxia, deafness and narcolepsy. Also called: Autosomal Dominant Cerebellar Ataxia, Deafness, and Narcolepsy (ADCA-DN). Identifiers: Orphanet 314404, MedGen C4302668, MONDO:0011397, OMIM 604121.
Hereditary sensory neuropathy-deafness-dementia syndrome. Also called: HSN IE; Hereditary sensory neuropathy type IE; NEUROPATHY, HEREDITARY SENSORY, WITH HEARING LOSS AND DEMENTIA; Hereditary Sensory and Autonomic Neuropathy Type 1E (HSAN1E). Identifiers: Orphanet 456318, MedGen C3279885, MONDO:0013584, OMIM 614116.

Submissions (8):

Victorian Clinical Genetics Services, Murdoch Childrens Research Institute
Classification: Pathogenic for Hereditary sensory neuropathy-deafness-dementia syndrome. Last evaluated: 2024-10-08. Review status: criteria provided, single submitter. Criteria: ACMG Guidelines, 2015. Collection method: clinical testing. Allele origin: germline. Inheritance: Autosomal dominant inheritance. Affected: yes.
Comment: Based on the classification scheme VCGS_Germline_v1.3.4, this variant is classified as Pathogenic. Following criteria are met: 0102 - Loss of function is a likely mechanism of disease in this gene and is associated with cerebellar ataxia, deafness, and narcolepsy (MIM#604121) and hereditary sensory neuropathy, type IE (MIM#614116). (I) 0107 - This gene is associated with autosomal dominant disease. (I) 0200 - Variant is predicted to result in a missense amino acid change from tyrosine to cysteine. (I) 0251 - This variant is heterozygous. (I) 0301 - Variant is absent from gnomAD (both v2 and v3). (SP) 0501 - Missense variant consistently predicted to be damaging by multiple in silico tools or highly conserved with a major amino acid change. (SP) 0600 - Variant is located in the annotated cytosine specific DNA methyltransferase replication foci domain (DECIPHER). (I) 0801 - This variant has strong previous evidence of pathogenicity in unrelated individuals. This variant has been observed in three unrelated families with affected heterozygous individuals with hereditary sensory neuropathy (PMID: 21532572). This variant has also been classified as pathogenic or likely pathogenic by multiple clinical laboratories in ClinVar. (SP) 1001 - This variant has strong functional evidence supporting abnormal protein function. In vitro functional studies show this variant affects proper folding of DMNT1, and results in premature protein degradation, reduced methyltransferase activity, and impaired heterochromatin binding during the G2 cell cycle phase, leading to global hypomethylation and site-specific hypermethylation (PMID: 21532572). (SP) 1208 - Inheritance information for this variant is not currently available in this individual. (I) Legend: (SP) - Supporting pathogenic, (I) - Information, (SB) - Supporting benign

Labcorp Genetics (formerly Invitae), Labcorp
Classification: Pathogenic for Hereditary sensory neuropathy-deafness-dementia syndrome. Last evaluated: 2023-11-20. Review status: criteria provided, single submitter. Criteria: Invitae Variant Classification Sherloc (09022015). Collection method: clinical testing. Allele origin: germline.
Comment: This sequence change replaces tyrosine, which is neutral and polar, with cysteine, which is neutral and slightly polar, at codon 511 of the DNMT1 protein (p.Tyr511Cys). This variant is not present in population databases (gnomAD no frequency). This missense change has been observed in individuals with hereditary sensory neuropathy, dementia and hearing loss (PMID: 21532572, 25326637, 25678562). It has also been observed to segregate with disease in related individuals. This variant is also known as p.Tyr495Cys. ClinVar contains an entry for this variant (Variation ID: 29682). Advanced modeling of protein sequence and biophysical properties (such as structural, functional, and spatial information, amino acid conservation, physicochemical variation, residue mobility, and thermodynamic stability) performed at Invitae indicates that this missense variant is expected to disrupt DNMT1 protein function with a positive predictive value of 80%. Experimental studies have shown that this missense change affects DNMT1 function (PMID: 21532572, 28334952). For these reasons, this variant has been classified as Pathogenic.

3billion
Classification: Pathogenic for Autosomal dominant cerebellar ataxia, deafness and narcolepsy. Last evaluated: 2022-09-01. Review status: criteria provided, single submitter. Criteria: ACMG Guidelines, 2015. Collection method: clinical testing. Allele origin: germline. Affected: yes. Observed: 1 heterozygote.
Comment: The variant is not observed in the gnomAD v2.1.1 dataset. Missense changes are a common disease-causing mechanism. Functional studies provide strong evidence that the variant has a damaging effect on the gene or gene product (PMID: 21532572). In silico tool predictions suggest damaging effect of the variant on gene or gene product (REVEL: 0.87; 3Cnet: 0.94). Same nucleotide change resulting in same amino acid change has been previously reported as pathogenic/likely pathogenic with solid evidence (ClinVar ID: VCV000029682). The variant has been observed in multiple (>3) similarly affected unrelated individuals (PMID: 21532572 , 23365052). A different missense change at the same codon (p.Tyr511His) has been reported to be associated with DNMT1-related disorder (ClinVar ID: VCV000162188 / PMID: 23365052). Therefore, this variant is classified as Pathogenic according to the recommendation of ACMG/AMP guideline.

GeneDx
Classification: Pathogenic. Last evaluated: 2021-07-23. Review status: criteria provided, single submitter. Criteria: GeneDx Variant Classification Process June 2021. Collection method: clinical testing. Allele origin: germline. Affected: yes.
Comment: Published functional studies demonstrate a damaging effect showing degradation compared to wild-type DNMT protein (Baets et al., 2015); Not observed at significant frequency in large population cohorts (Lek et al., 2016); In silico analysis supports that this missense variant has a deleterious effect on protein structure/function; This variant is associated with the following publications: (PMID: 21532572, 25678562, 25942534, 23521649, 26747177, 23365052)

UCLA Clinical Genomics Center, UCLA
Classification: Likely pathogenic for NEUROPATHY, HEREDITARY SENSORY, TYPE IE. Last evaluated: 2013-07-30. Review status: criteria provided, single submitter. Criteria: Lee et al. (JAMA. 2014). Collection method: clinical testing. Allele origin: unknown. Inheritance: Autosomal dominant inheritance. Affected: yes. Study: CES.

Inherited Neuropathy Consortium Ii, University Of Miami
Classification: Uncertain significance for Hereditary sensory neuropathy-deafness-dementia syndrome. Last evaluated: 2016-01-06. Review status: no assertion criteria provided. Collection method: literature only. Allele origin: germline. Affected: yes. Not counted in ClinVar's aggregate classification.

OMIM
Classification: Pathogenic for NEUROPATHY, HEREDITARY SENSORY, TYPE IE. Last evaluated: 2013-02-26. Review status: no assertion criteria provided. Collection method: literature only. Allele origin: germline. Not counted in ClinVar's aggregate classification.

Inherited Neuropathy Consortium
Classification: Uncertain significance for Charcot-Marie-Tooth disease. Review status: no assertion criteria provided. Collection method: literature only. Allele origin: germline. Affected: yes. Not counted in ClinVar's aggregate classification.

Literature cited by the submitters: PubMed 21532572 (cited by 6 submitters); PubMed 25326637 (cited by Labcorp Genetics (formerly Invitae), Labcorp); PubMed 25678562 (cited by Labcorp Genetics (formerly Invitae), Labcorp); PubMed 28334952 (cited by Labcorp Genetics (formerly Invitae), Labcorp); PubMed 23365052 (cited by 3billion and OMIM); PubMed 7898717 (cited by OMIM); PubMed 10210919 (cited by OMIM).